The following is an entry in ClinVar:

NM_001085049.3(MRAS):c.134C>G (p.Thr45Ser)

Gene: MRAS (muscle RAS oncogene homolog; plus strand). Cytogenetic location: 3q22.3.
Variant type: single nucleotide variant.
Coding change: c.134C>G on transcript NM_001085049.3 (MANE Select); coding-DNA position 134, C replaced by G.
Protein change: p.Thr45Ser; replaces threonine 45 with serine.
Molecular consequence: missense variant. On other transcripts: intron variant (3).
Genome position (GRCh38, 1-based): chr3:138,373,017, C>G. VCF-style: chr3-138373017-C-G. GRCh37 (hg19) VCF-style: chr3-138091859-C-G.
Other names: c.134C>G, p.Thr45Ser (NM_001252090.2, NM_012219.4); c.-35-24307C>G (NM_001252091.1); c.-36+24250C>G (NM_001252093.2); c.-36+23985C>G (NM_001252092.2); short protein forms T45S.
Identifiers: ClinVar variation 3622849 (VCV003622849.2).
Genomic context (GRCh38, chr3:138,373,017, plus strand): 5'-GCAAAAGTGCCCTCACCATCCAGTTTTTCCAGAAGATCTTTGTGCCTGACTATGACCCCA[C>G]CATTGAAGACTCCTACCTGAAACATACGGAGATTGACAATCAATGGGCCATCTTGGACGG-3'
Protein context (NP_001078518.1, residues 35-55): QKIFVPDYDP[Thr45Ser]IEDSYLKHTE

ClinVar aggregate classification (germline): Uncertain significance (1 of 4 stars; one submission).

gnomAD v4.1: 2 of 1,552,502 alleles (0.00013%); highest among the groups gnomAD compares: Non-Finnish European, 0.00017%; no homozygotes.

Submission:

Labcorp Genetics (formerly Invitae), Labcorp
Classification: Uncertain significance. Last evaluated: 2024-04-17. Review status: criteria provided, single submitter. Criteria: Invitae Variant Classification Sherloc (09022015). Collection method: clinical testing. Allele origin: germline.
Comment: This sequence change replaces threonine, which is neutral and polar, with serine, which is neutral and polar, at codon 45 of the MRAS protein (p.Thr45Ser). This variant is not present in population databases (gnomAD no frequency). This variant has not been reported in the literature in individuals affected with MRAS-related conditions. An algorithm developed to predict the effect of missense changes on protein structure and function (PolyPhen-2) suggests that this variant is likely to be disruptive. Experimental studies have shown that this missense change affects MRAS function (PMID: 30808747). In summary, the available evidence is currently insufficient to determine the role of this variant in disease. Therefore, it has been classified as a Variant of Uncertain Significance.

Literature cited by the submitters: PubMed 30808747.